The following is an entry in ClinVar:

NM_000059.4(BRCA2):c.316+1276G>A

Gene: BRCA2 (BRCA2 DNA repair associated; plus strand). Cytogenetic location: 13q13.1.
Variant type: single nucleotide variant.
Coding change: c.316+1276G>A on transcript NM_000059.4 (MANE Select); 1276 bases into the intron after coding-DNA position 316, G replaced by A.
Molecular consequence: intron variant.
Genome position (GRCh38, 1-based): chr13:32,320,601, G>A. VCF-style: chr13-32320601-G-A. GRCh37 (hg19) VCF-style: chr13-32894738-G-A.
Other names: IVS 3+1276G>A.
Identifiers: ClinVar variation 209624 (VCV000209624.2), dbSNP rs11571591, ClinGen allele CA276593.

ClinVar aggregate classification (germline): Benign. Review status: reviewed by expert panel (3 of 4 stars). 2 submissions from 2 submitters: Benign (1). 1 of the submissions does not count toward it. Last evaluated 2015-01-12.

Conditions:
Breast-ovarian cancer, familial, susceptibility to, 2 (BROVCA2). Also called: BRCA2 Hereditary Breast and Ovarian Cancer. Identifiers: Orphanet 145, MedGen C2675520, MONDO:0012933, OMIM 612555. Disease mechanism: loss of function.

Allele frequency attached by ClinVar (database versions not stated): gnomAD 0.04120 and 0.04437; TOPMed 0.04577; 1000 Genomes Project 30x 0.07245; 1000 Genomes Project 0.07328.
gnomAD v4.1: 6,787 of 152,166 alleles (4.5%); highest among the groups gnomAD compares: South Asian, 10%; 235 homozygotes.

Submissions (2):

Evidence-based Network for the Interpretation of Germline Mutant Alleles (ENIGMA)
Classification: Benign for Breast-ovarian cancer, familial 2. Last evaluated: 2015-01-12. Review status: reviewed by expert panel. Criteria: ENIGMA BRCA1/2 Classification Criteria (2015). Collection method: curation. Allele origin: germline.
Comment: Class 1 not pathogenic based on frequency >1% in an outbred sampleset. Frequency 0.09441 (Asian), 0.01626 (African), 0.04617 (European), derived from 1000 genomes (2012-04-30).

Breakthrough Genomics
Classification: Benign. Review status: criteria provided, single submitter. Criteria: ACMG Guidelines, 2015. Collection method: not provided. Allele origin: germline. Inheritance: Autosomal recessive inheritance. Affected: yes. Not counted in ClinVar's aggregate classification.